The following is an entry in ClinVar:

ClinVar aggregate classification (germline): Uncertain significance (1 of 4 stars; one submission).

Conditions:
Charcot-Marie-Tooth disease type 4. Also called: Charcot-Marie-Tooth disease, type IV; Charcot-Marie-Tooth, Type 4. Identifiers: Orphanet 64749, MedGen C4082197, MONDO:0018995.

Submission:

Labcorp Genetics (formerly Invitae), Labcorp
Classification: Uncertain significance for Charcot-Marie-Tooth disease type 4. Last evaluated: 2019-12-03. Review status: criteria provided, single submitter. Criteria: Invitae Variant Classification Sherloc (09022015). Collection method: clinical testing. Allele origin: germline.
Comment: In summary, the available evidence is currently insufficient to determine the role of this variant in disease. Therefore, it has been classified as a Variant of Uncertain Significance. Algorithms developed to predict the effect of missense changes on protein structure and function (SIFT, PolyPhen-2, Align-GVGD) all suggest that this variant is likely to be disruptive, but these predictions have not been confirmed by published functional studies and their clinical significance is uncertain. This variant has not been reported in the literature in individuals with SH3TC2-related conditions. This variant is not present in population databases (ExAC no frequency). This sequence change replaces isoleucine with threonine at codon 326 of the SH3TC2 protein (p.Ile326Thr). The isoleucine residue is highly conserved and there is a moderate physicochemical difference between isoleucine and threonine.

NM_024577.4(SH3TC2):c.977T>C (p.Ile326Thr)

Gene: SH3TC2 (SH3 domain and tetratricopeptide repeats 2; minus strand). Cytogenetic location: 5q32.
Variant type: single nucleotide variant.
Coding change: c.977T>C on transcript NM_024577.4 (MANE Select); coding-DNA position 977, T replaced by C.
Protein change: p.Ile326Thr; replaces isoleucine 326 with threonine.
Molecular consequence: missense variant.
Genome position (GRCh38, 1-based): chr5:149,038,319, A>G on the plus strand (T>C on the coding strand, the complement: SH3TC2 is on the minus strand). VCF-style: chr5-149038319-A-G. GRCh37 (hg19) VCF-style: chr5-148417882-A-G.
Other names: short protein forms I326T.
Identifiers: ClinVar variation 846804 (VCV000846804.7), dbSNP rs1754316407, ClinGen allele CA361672345.